The following is an entry in ClinVar:

ClinVar aggregate classification (germline): Benign. Review status: criteria provided, multiple submitters, no conflicts (2 of 4 stars). 2 submissions from 2 submitters: Benign (2). Last evaluated 2018-06-14.

Allele frequency attached by ClinVar (database versions not stated): gnomAD 0.11991 and 0.12333; TOPMed 0.12945; 1000 Genomes Project 30x 0.15428; 1000 Genomes Project 0.15835.
gnomAD v4.1: 18,790 of 152,144 alleles (12%); highest among the groups gnomAD compares: East Asian, 33%; 1,464 homozygotes.

Submissions (2):

GeneDx
Classification: Benign. Last evaluated: 2018-06-14. Review status: criteria provided, single submitter. Criteria: GeneDx Variant Classification (06012015). Collection method: clinical testing. Allele origin: germline. Affected: yes.
Comment: This variant is considered likely benign or benign based on one or more of the following criteria: it is a conservative change, it occurs at a poorly conserved position in the protein, it is predicted to be benign by multiple in silico algorithms, and/or has population frequency not consistent with disease.

Breakthrough Genomics
Classification: Benign. Review status: criteria provided, single submitter. Criteria: ACMG Guidelines, 2015. Collection method: not provided. Allele origin: germline. Inheritance: Autosomal recessive inheritance. Affected: yes.

NM_001377299.1(NDUFS2):c.95+255C>T

Gene: NDUFS2 (NADH:ubiquinone oxidoreductase core subunit S2; plus strand). Cytogenetic location: 1q23.3.
Variant type: single nucleotide variant.
Coding change: c.95+255C>T on transcript NM_001377299.1 (MANE Select); 255 bases into the intron after coding-DNA position 95, C replaced by T.
Molecular consequence: intron variant.
Genome position (GRCh38, 1-based): chr1:161,202,735, C>T. VCF-style: chr1-161202735-C-T. GRCh37 (hg19) VCF-style: chr1-161172525-C-T.
Other names: c.95+255C>T (NM_001377300.1, NM_001377298.1, NM_001377301.1 and 3 more transcripts).
Identifiers: ClinVar variation 672559 (VCV000672559.2), dbSNP rs10908826, ClinGen allele CA15100948.
Genomic context (GRCh38, chr1:161,202,735, plus strand): 5'-GGTGAAATCAGCGGAGTGGGAGACTCTGCTTTTTAGCTTCAGTAATTTGAATGCACCTCT[C>T]CTGTCATACCTGAGTAGAGCTCAGCCAAAGAGCCAGAATGCTCGCTGTCTCTCTGTCGTT-3'